The following is an entry in ClinVar:

ClinVar aggregate classification (germline): Uncertain significance (1 of 4 stars; one submission).

Conditions:
Early-infantile DEE. Also called: Early infantile epileptic encephalopathy with suppression bursts; Early infantile epileptic encephalopathy; Ohtahara syndrome. Identifiers: Orphanet 1934, MedGen C0393706, MONDO:0800491.

Submission:

Labcorp Genetics (formerly Invitae), Labcorp
Classification: Uncertain significance for Early-infantile DEE. Last evaluated: 2023-10-13. Review status: criteria provided, single submitter. Criteria: Invitae Variant Classification Sherloc (09022015). Collection method: clinical testing. Allele origin: germline.
Comment: This sequence change replaces cysteine, which is neutral and slightly polar, with serine, which is neutral and polar, at codon 544 of the KCNQ2 protein (p.Cys544Ser). This variant also falls at the last nucleotide of exon 14, which is part of the consensus splice site for this exon. This variant is not present in population databases (gnomAD no frequency). This variant has not been reported in the literature in individuals affected with KCNQ2-related conditions. ClinVar contains an entry for this variant (Variation ID: 1483647). An algorithm developed to predict the effect of missense changes on protein structure and function (PolyPhen-2) suggests that this variant is likely to be disruptive. Variants that disrupt the consensus splice site are a relatively common cause of aberrant splicing (PMID: 17576681, 9536098). Algorithms developed to predict the effect of sequence changes on RNA splicing suggest that this variant may disrupt the consensus splice site. In summary, the available evidence is currently insufficient to determine the role of this variant in disease. Therefore, it has been classified as a Variant of Uncertain Significance.

Literature cited by the submitters: PubMed 17576681; PubMed 9536098.

NM_172107.4(KCNQ2):c.1631G>C (p.Cys544Ser)

Gene: KCNQ2 (potassium voltage-gated channel subfamily Q member 2; minus strand). Cytogenetic location: 20q13.33.
Variant type: single nucleotide variant.
Coding change: c.1631G>C on transcript NM_172107.4 (MANE Select); coding-DNA position 1631, G replaced by C.
Protein change: p.Cys544Ser; replaces cysteine 544 with serine.
Molecular consequence: missense variant.
Genome position (GRCh38, 1-based): chr20:63,414,088, C>G on the plus strand (G>C on the coding strand, the complement: KCNQ2 is on the minus strand). VCF-style: chr20-63414088-C-G. GRCh37 (hg19) VCF-style: chr20-62045441-C-G.
Other names: c.1577G>C, p.Cys526Ser (NM_001382235.1, NM_172106.3); c.1547G>C, p.Cys516Ser (NM_004518.6); c.1538G>C, p.Cys513Ser (NM_172108.5); short protein forms C513S, C526S, C516S, C544S.
Identifiers: ClinVar variation 1483647 (VCV001483647.9), dbSNP rs1057518492, ClinGen allele CA409645111.